The following is an entry in ClinVar:

ClinVar aggregate classification (germline): Pathogenic/Likely pathogenic. Review status: criteria provided, multiple submitters, no conflicts (2 of 4 stars). 2 submissions from 2 submitters: Pathogenic (1); Likely pathogenic (1). Last evaluated 2022-05-24.

Conditions:
Duchenne muscular dystrophy (DMD). Also called: MUSCULAR DYSTROPHY, PSEUDOHYPERTROPHIC PROGRESSIVE, DUCHENNE TYPE; Duchenne Muscular Dystrophy (DMD). Identifiers: Orphanet 98896, MedGen C0013264, MONDO:0010679, OMIM 310200.

Submissions (2):

Revvity Omics, Revvity
Classification: Likely pathogenic. Last evaluated: 2022-05-24. Review status: criteria provided, single submitter. Criteria: ACMG Guidelines, 2015. Collection method: clinical testing. Allele origin: germline.

Labcorp Genetics (formerly Invitae), Labcorp
Classification: Pathogenic for Duchenne muscular dystrophy. Last evaluated: 2022-05-11. Review status: criteria provided, single submitter. Criteria: Invitae Variant Classification Sherloc (09022015). Collection method: clinical testing. Allele origin: germline.
Comment: For these reasons, this variant has been classified as Pathogenic. This variant has not been reported in the literature in individuals affected with DMD-related conditions. This variant is not present in population databases (gnomAD no frequency). This sequence change creates a premature translational stop signal (p.Ser413Ilefs*4) in the DMD gene. It is expected to result in an absent or disrupted protein product. Loss-of-function variants in DMD are known to be pathogenic (PMID: 16770791, 25007885).

Literature cited by the submitters: PubMed 16770791 (cited by Labcorp Genetics (formerly Invitae), Labcorp); PubMed 25007885 (cited by Labcorp Genetics (formerly Invitae), Labcorp).

NM_004006.3(DMD):c.1236dup (p.Ser413fs)

Gene: DMD (dystrophin; minus strand). Cytogenetic location: Xp21.1.
Variant type: Duplication.
Coding change: c.1236dup on transcript NM_004006.3 (MANE Select); coding-DNA position 1236, one base duplicated (A; older notation c.1236dupA).
Protein change: p.Ser413fs; shifts the reading frame from serine 413.
Molecular consequence: frameshift variant.
Genome position (GRCh38, 1-based): chrX:32,644,227, T duplicated on the plus strand (A on the coding strand, the reverse complement: DMD is on the minus strand). VCF-style (leftmost placement, unchanged base first): chrX-32644226-A-AT. GRCh37 (hg19) VCF-style: chrX-32662343-A-AT.
Other names: c.1212dup, p.Ser405fs (NM_000109.4); c.1224dup, p.Ser409fs (NM_004009.3); c.867dup, p.Ser290fs (NM_004010.3); short protein forms S413fs, S290fs, S409fs, S405fs.
Identifiers: ClinVar variation 1993056 (VCV001993056.7), dbSNP rs2519634487, ClinGen allele CA2580100736.